The following is an entry in ClinVar:

ClinVar aggregate classification (germline): Uncertain significance (1 of 4 stars; one submission).

Submission:

Labcorp Genetics (formerly Invitae), Labcorp
Classification: Uncertain significance. Last evaluated: 2022-10-24. Review status: criteria provided, single submitter. Criteria: Invitae Variant Classification Sherloc (09022015). Collection method: clinical testing. Allele origin: germline.
Comment: This variant is not present in population databases (gnomAD no frequency). In summary, the available evidence is currently insufficient to determine the role of this variant in disease. Therefore, it has been classified as a Variant of Uncertain Significance. Algorithms developed to predict the effect of missense changes on protein structure and function are either unavailable or do not agree on the potential impact of this missense change (SIFT: "Not Available"; PolyPhen-2: "Possibly Damaging"; Align-GVGD: "Not Available"). This variant has not been reported in the literature in individuals affected with TANGO2-related conditions. This sequence change replaces tyrosine, which is neutral and polar, with asparagine, which is neutral and polar, at codon 18 of the TANGO2 protein (p.Tyr18Asn).

NM_152906.7(TANGO2):c.52T>A (p.Tyr18Asn)

Gene: TANGO2 (transport and golgi organization 2 homolog; plus strand). Cytogenetic location: 22q11.21.
Variant type: single nucleotide variant.
Coding change: c.52T>A on transcript NM_152906.7 (MANE Select); coding-DNA position 52, T replaced by A.
Protein change: p.Tyr18Asn; replaces tyrosine 18 with asparagine.
Molecular consequence: missense variant. On other transcripts: 5 prime UTR variant (20), non-coding transcript variant (5).
Genome position (GRCh38, 1-based): chr22:20,036,850, T>A. VCF-style: chr22-20036850-T-A. GRCh37 (hg19) VCF-style: chr22-20024373-T-A.
Other names: c.52T>A, p.Tyr18Asn (NM_001283106.3, NM_001283116.3, NM_001283148.3 and 10 more transcripts); c.-66T>A (NM_001283129.3, NM_001283215.3, NM_001322141.2 and 5 more transcripts); c.-128T>A (NM_001283235.3, NM_001322146.2, NM_001322153.2 and 5 more transcripts); c.-368T>A (NM_001322148.2, NM_001322150.2, NM_001322172.2 and 1 more transcripts); short protein forms Y18N.
Identifiers: ClinVar variation 2008625 (VCV002008625.4), dbSNP rs2042938429, ClinGen allele CA410690712.
Genomic context (GRCh38, chr22:20,036,850, plus strand): 5'-TGCACCACCATGTGCATCATCTTCTTTAAGTTTGATCCTCGCCCTGTTTCCAAAAACGCG[T>A]ACAGGTAACCCCCTCGCTCTGCATCTGCTGCGCCCTGCAGGGTCCTGGGTGCCCAGCCAG-3'
Protein context (NP_690870.3, residues 8-28): FDPRPVSKNA[Tyr18Asn]RLILAANRDE